The following is an entry in ClinVar:

NM_015425.6(POLR1A):c.3522G>T (p.Trp1174Cys)

Gene: POLR1A (RNA polymerase I subunit A; minus strand). Cytogenetic location: 2p11.2.
Variant type: single nucleotide variant.
Coding change: c.3522G>T on transcript NM_015425.6 (MANE Select); coding-DNA position 3522, G replaced by T.
Protein change: p.Trp1174Cys; replaces tryptophan 1174 with cysteine.
Molecular consequence: missense variant.
Genome position (GRCh38, 1-based): chr2:86,041,939, C>A on the plus strand (G>T on the coding strand, the complement: POLR1A is on the minus strand). VCF-style: chr2-86041939-C-A. GRCh37 (hg19) VCF-style: chr2-86269062-C-A.
Other names: short protein forms W1174C.
Identifiers: ClinVar variation 2969721 (VCV002969721.9), dbSNP rs756716111, ClinGen allele CA1745754.
Genomic context (GRCh38, chr2:86,041,939, plus strand): 5'-CTGTCAATACCTGTCGAGAGAAAGCTCTGATTTCTCATAACTCTTCTCTGTTTGAGCTGC[C>A]CACTCTTGACTGTAGTCATCAACCTTTGTTTCAAATGTTTCTGACACTGATGCAAAGTAG-3'
Protein context (NP_056240.2, residues 1164-1184): ETKVDDYSQE[Trp1174Cys]AAQTEKSYEK

ClinVar aggregate classification (germline): Conflicting classifications of pathogenicity. Review status: criteria provided, conflicting classifications (1 of 4 stars). 2 submissions from 2 submitters: Uncertain significance (1); Likely benign (1). Last evaluated 2025-10-01.

Allele frequency attached by ClinVar (database versions not stated): gnomAD exomes below 0.00001; ExAC 0.00001; gnomAD 0.00001.
gnomAD v4.1: 6 of 1,614,066 alleles (0.00037%); highest among the groups gnomAD compares: East Asian, 0.0022%; no homozygotes.

Submissions (2):

CeGaT Center for Human Genetics Tuebingen
Classification: Likely benign. Last evaluated: 2025-10-01. Review status: criteria provided, single submitter. Criteria: CeGaT Center For Human Genetics Tuebingen Variant Classification Criteria Version 2. Collection method: clinical testing. Allele origin: germline. Affected: yes. Observed: 1 variant allele.
Comment: POLR1A: BP4

Labcorp Genetics (formerly Invitae), Labcorp
Classification: Uncertain significance. Last evaluated: 2023-10-27. Review status: criteria provided, single submitter. Criteria: Invitae Variant Classification Sherloc (09022015). Collection method: clinical testing. Allele origin: germline.
Comment: This sequence change replaces tryptophan, which is neutral and slightly polar, with cysteine, which is neutral and slightly polar, at codon 1174 of the POLR1A protein (p.Trp1174Cys). This variant is present in population databases (rs756716111, gnomAD 0.01%). This variant has not been reported in the literature in individuals affected with POLR1A-related conditions. Advanced modeling of protein sequence and biophysical properties (such as structural, functional, and spatial information, amino acid conservation, physicochemical variation, residue mobility, and thermodynamic stability) performed at Invitae indicates that this missense variant is not expected to disrupt POLR1A protein function with a negative predictive value of 80%. In summary, the available evidence is currently insufficient to determine the role of this variant in disease. Therefore, it has been classified as a Variant of Uncertain Significance.